The following is an entry in ClinVar:

ClinVar aggregate classification (germline): Uncertain significance. Review status: criteria provided, multiple submitters, no conflicts (2 of 4 stars). 2 submissions from 2 submitters: Uncertain significance (2). Last evaluated 2025-09-15.

Conditions:
Inborn genetic diseases. Identifiers: MedGen C0950123, MeSH D030342.
Dyskeratosis congenita, autosomal dominant 6 (DKCA6). Identifiers: Orphanet 3322, MedGen C4225284, MONDO:0014690, OMIM 616553.

Allele frequency attached by ClinVar (database versions not stated): gnomAD exomes 0.00002; ESP Exome Variant Server 0.00008; gnomAD 0.00003 and 0.00004; TOPMed 0.00004; ExAC 0.00004.

Submissions (2):

Labcorp Genetics (formerly Invitae), Labcorp
Classification: Uncertain significance for Dyskeratosis congenita, autosomal dominant 6. Last evaluated: 2025-09-15. Review status: criteria provided, single submitter. Criteria: Invitae Variant Classification Sherloc (09022015). Collection method: clinical testing. Allele origin: germline.
Comment: This sequence change replaces serine, which is neutral and polar, with threonine, which is neutral and polar, at codon 7 of the ACD protein (p.Ser7Thr). This variant is present in population databases (rs373593390, gnomAD 0.006%). This variant has not been reported in the literature in individuals affected with ACD-related conditions. ClinVar contains an entry for this variant (Variation ID: 1044004). An algorithm developed to predict the effect of missense changes on protein structure and function (PolyPhen-2) suggests that this variant is likely to be tolerated. In summary, the available evidence is currently insufficient to determine the role of this variant in disease. Therefore, it has been classified as a Variant of Uncertain Significance.

Ambry Genetics
Classification: Uncertain significance for Inborn genetic diseases. Last evaluated: 2025-05-20. Review status: criteria provided, single submitter. Criteria: Ambry Variant Classification Scheme 2023. Collection method: clinical testing. Allele origin: germline.

NC_000016.10:g.67660459C>G

Gene: ACD (ACD shelterin complex subunit and telomerase recruitment factor; minus strand). Cytogenetic location: 16q22.1.
Variant type: single nucleotide variant.
Genome position: GRCh38 VCF-style: chr16-67660459-C-G. GRCh37 (hg19) VCF-style: chr16-67694362-C-G.
Other names: short protein forms S7T.
Identifiers: ClinVar variation 1044004 (VCV001044004.11), dbSNP rs373593390, ClinGen allele CA8114952.
Genomic context (GRCh38, chr16:67,660,459, plus strand): 5'-CCGCTGGTCCACCCCGCTGGTGCACGGGATGCTGGCCCGTTTACTCTCATCGCGGCGTCA[C>G]TCTGACAGCGGCCAGGCATTTGGGCCGTTCGTCAAGATTCCTGTGGTACCGGTAGGGAAC-3'